The following is an entry in ClinVar:

ClinVar aggregate classification (germline): Uncertain significance (1 of 4 stars; one submission).

Submission:

Labcorp Genetics (formerly Invitae), Labcorp
Classification: Uncertain significance. Last evaluated: 2022-11-03. Review status: criteria provided, single submitter. Criteria: Invitae Variant Classification Sherloc (09022015). Collection method: clinical testing. Allele origin: germline.
Comment: This variant is not present in population databases (gnomAD no frequency). In summary, the available evidence is currently insufficient to determine the role of this variant in disease. Therefore, it has been classified as a Variant of Uncertain Significance. This variant has not been reported in the literature in individuals affected with ADGRA3-related conditions. This sequence change creates a premature translational stop signal (p.Leu444Cysfs*8) in the ADGRA3 gene. It is expected to result in an absent or disrupted protein product. However, the current clinical and genetic evidence is not sufficient to establish whether loss-of-function variants in ADGRA3 cause disease.

NM_145290.4(ADGRA3):c.1331_1344del (p.Leu444fs)

Gene: ADGRA3 (adhesion G protein-coupled receptor A3; minus strand). Cytogenetic location: 4p15.2.
Variant type: Deletion.
Coding change: c.1331_1344del on transcript NM_145290.4 (MANE Select); coding-DNA positions 1331 to 1344, 14 bases deleted (TACTGGCTTACACT).
Protein change: p.Leu444fs; shifts the reading frame from leucine 444.
Molecular consequence: frameshift variant.
Genome position (GRCh38, 1-based): chr4:22,435,410-22,435,423, AGTGTAAGCCAGTA deleted on the plus strand (TACTGGCTTACACT on the coding strand, the reverse complement: ADGRA3 is on the minus strand); deleting any 14 consecutive bases within chr4:22,435,410-22,435,424 gives the same sequence; the c. name uses the placement nearest the transcript's 3' end. VCF-style (leftmost placement, unchanged base first): chr4-22435409-CAGTGTAAGCCAGTA-C. GRCh37 (hg19) VCF-style: chr4-22437032-CAGTGTAAGCCAGTA-C.
Other names: short protein forms L444fs.
Identifiers: ClinVar variation 2811789 (VCV002811789.3), dbSNP rs2474779070, ClinGen allele CA2739270042.
Genomic context (GRCh38, chr4:22,435,409, plus strand): 5'-TTTCAATCATTTCTGCCACAAATATAACATCCATTTTGTCAGAAAAGTTGGCTGCTTCCA[CAGTGTAAGCCAGTA>C]ACTGTCGAGCTGTTGCCACGGCATTGGTAAGATTGAGGGGCATCTACATTTCAAAGGCAA-3'